The following is an entry in ClinVar:

NM_000091.5(COL4A3):c.2800G>C (p.Gly934Arg)

Genes: COL4A3 (collagen type IV alpha 3 chain; plus strand), MFF-DT (MFF divergent transcript; minus strand). Cytogenetic location: 2q36.3.
Variant type: single nucleotide variant.
Coding change: c.2800G>C on transcript NM_000091.5 (MANE Select); coding-DNA position 2800, G replaced by C.
Protein change: p.Gly934Arg; replaces glycine 934 with arginine.
Molecular consequence: missense variant.
Genome position (GRCh38, 1-based): chr2:227,284,264, G>C. VCF-style: chr2-227284264-G-C. GRCh37 (hg19) VCF-style: chr2-228148980-G-C.
Other names: short protein forms G934R.
Identifiers: ClinVar variation 3634129 (VCV003634129.3).

ClinVar aggregate classification (germline): Conflicting classifications of pathogenicity. Review status: criteria provided, conflicting classifications (1 of 4 stars). 2 submissions from 2 submitters: Likely pathogenic (1); Uncertain significance (1). Last evaluated 2025-09-17.

Conditions:
Alport syndrome. Also called: Hemorrhagic familial nephritis; Hemorrhagic hereditary nephritis; Congenital hereditary hematuria. Identifiers: Orphanet 63, MedGen C1567741, MONDO:0018965.

Submissions (2):

Natera, Inc.
Classification: Likely pathogenic for Alport syndrome. Last evaluated: 2025-09-17. Review status: criteria provided, single submitter. Criteria: Natera Variant Classification Schema (03/2026). Collection method: clinical testing. Allele origin: germline.
Comment: The c.2800G>C variant in COL4A3 is a missense variant predicted to cause substitution of glycine to arginine at amino acid 934. This variant is rare in the general population with a frequency below the threshold expected for the associated phenotype(s). This variant has been observed to segregate in affected family members (PMID: 32203225). This variant is located in a functionally critical region of the protein. Computational prediction algorithms indicate this variant is likely to affect gene or protein function. Given the available evidence, this variant is classified as Likely Pathogenic.

Labcorp Genetics (formerly Invitae), Labcorp
Classification: Uncertain significance. Last evaluated: 2024-02-17. Review status: criteria provided, single submitter. Criteria: Invitae Variant Classification Sherloc (09022015). Collection method: clinical testing. Allele origin: germline.
Comment: This sequence change replaces glycine, which is neutral and non-polar, with arginine, which is basic and polar, at codon 934 of the COL4A3 protein (p.Gly934Arg). This variant is not present in population databases (gnomAD no frequency). This variant has not been reported in the literature in individuals affected with COL4A3-related conditions. Advanced modeling of protein sequence and biophysical properties (such as structural, functional, and spatial information, amino acid conservation, physicochemical variation, residue mobility, and thermodynamic stability) performed at Invitae indicates that this missense variant is expected to disrupt COL4A3 protein function with a positive predictive value of 80%. This variant disrupts the p.Gly934 amino acid residue in COL4A3. Other variant(s) that disrupt this residue have been determined to be pathogenic (PMID: 32203225; Invitae). This suggests that this residue is clinically significant, and that variants that disrupt this residue are likely to be disease-causing. In summary, the available evidence is currently insufficient to determine the role of this variant in disease. Therefore, it has been classified as a Variant of Uncertain Significance.

Literature cited by the submitters: PubMed 32203225 (cited by Natera, Inc. and Labcorp Genetics (formerly Invitae), Labcorp).